The following is an entry in ClinVar:

NM_021871.4(FGA):c.713del (p.Lys238fs)

Gene: FGA (fibrinogen alpha chain; minus strand). Cytogenetic location: 4q31.3.
Variant type: Deletion.
Coding change: c.713del on transcript NM_021871.4 (MANE Select); coding-DNA position 713, one base deleted (A; older notation c.713delA).
Protein change: p.Lys238fs; shifts the reading frame from lysine 238.
Molecular consequence: frameshift variant.
Genome position (GRCh38, 1-based): chr4:154,586,716, T deleted on the plus strand (A on the coding strand, the reverse complement: FGA is on the minus strand); the first of 2 consecutive T bases (chr4:154,586,716-154,586,717); deleting either gives the same sequence. VCF-style (leftmost placement, unchanged base first): chr4-154586715-CT-C. GRCh37 (hg19) VCF-style: chr4-155507867-CT-C.
Other names: c.713delA (NM_021871.4, NM_000508.3); c.713del, p.Lys238fs (NM_000508.5); short protein forms K238fs.
Identifiers: ClinVar variation 1803153 (VCV001803153.3), dbSNP rs2530823524, ClinGen allele CA1139771332.

ClinVar aggregate classification (germline): Pathogenic/Likely pathogenic. Review status: criteria provided, multiple submitters, no conflicts (2 of 4 stars). 2 submissions from 2 submitters: Pathogenic (1); Likely pathogenic (1). Last evaluated 2022-02-02.

Conditions:
Congenital afibrinogenemia. Identifiers: Orphanet 335, Orphanet 98880, MedGen C2584774, MONDO:0008737, OMIM 202400.
Familial visceral amyloidosis, Ostertag type (AMYLD2). Also called: AMYLOIDOSIS, HEREDITARY SYSTEMIC 2; Amyloidosis, hepatic and systemic; Ostertag type amyloidosis; Familial visceral amyloidosis; AMYLOIDOSIS VIII; Hereditary Renal Amyloidosis. Identifiers: Orphanet 85450, MedGen C0268389, MONDO:0007099, OMIM 105200.

Submissions (2):

Victorian Clinical Genetics Services, Murdoch Childrens Research Institute
Classification: Pathogenic for Congenital afibrinogenemia. Last evaluated: 2022-02-02. Review status: criteria provided, single submitter. Criteria: ACMG Guidelines, 2015. Collection method: clinical testing. Allele origin: germline. Inheritance: Autosomal recessive inheritance. Affected: yes.
Comment: Based on the classification scheme VCGS_Germline_v1.3.4, this variant is classified as Pathogenic. Following criteria are met: 0102 - Loss of function is a known mechanism of disease in this gene and is associated with congenital afibrinogenemia (MIM#202400) (PMID:17295221). The disease mechanism of familial visceral amyloidosis (MIM#105200) is unclear. (I) 0108 - This gene is associated with both recessive and dominant disease. Premature termination variants (PTVs) located downstream of ~p.500 are associated with autosomal dominant familial visceral amyloidosis (MIM#105200). PTVs located upstream are associated with autosomal recessive congenital afibrinogenemia (MIM#202400). (I) 0201 - Variant is predicted to cause nonsense-mediated decay (NMD) and loss of protein (premature termination codon is located at least 54 nucleotides upstream of the final exon-exon junction). (SP) 0219 - This variant is not NMD-predicted in an alternative transcript (NM_021871.2). (I) 0251 - This variant is heterozygous. (I) 0301 - Variant is absent from gnomAD (both v2 and v3). (SP) 0701 - Other premature termination variants (PTVs) comparable to the one identified in this case have very strong previous evidence for pathogenicity. There are many PTVs reported as likely pathogenic/pathogenic (ClinVar and PMIDs: 17295221, 19073821, 31064749). (SP) 0807 - This variant has no previous evidence of pathogenicity. (I) 0905 - No published segregation evidence has been identified for this variant. (I) 1007 - No published functional evidence has been identified for this variant. (I) 1207 - Parental origin of the variant is unresolved. (I) Legend: (SP) - Supporting pathogenic, (I) - Information, (SB) - Supporting benign

Genetics and Molecular Pathology, SA Pathology
Classification: Likely pathogenic for Familial visceral amyloidosis, Ostertag type. Last evaluated: 2021-05-14. Review status: criteria provided, single submitter. Criteria: ACMG Guidelines, 2015. Collection method: clinical testing. Allele origin: germline. Affected: yes.
Comment: The FGA c.713delA variant is classified as Likely Pathogenic (PVS1_Strong, PM2)

Literature cited by the submitters: PubMed 17295221 (cited by Victorian Clinical Genetics Services, Murdoch Childrens Research Institute); PubMed 19073821 (cited by Victorian Clinical Genetics Services, Murdoch Childrens Research Institute); PubMed 31064749 (cited by Victorian Clinical Genetics Services, Murdoch Childrens Research Institute).